The following is an entry in ClinVar:

NM_003126.4(SPTA1):c.5992G>C (p.Ala1998Pro)

Gene: SPTA1 (spectrin alpha, erythrocytic 1; minus strand). Cytogenetic location: 1q23.1.
Variant type: single nucleotide variant.
Coding change: c.5992G>C on transcript NM_003126.4 (MANE Select); coding-DNA position 5992, G replaced by C.
Protein change: p.Ala1998Pro; replaces alanine 1998 with proline.
Molecular consequence: missense variant.
Genome position (GRCh38, 1-based): chr1:158,623,111, C>G on the plus strand (G>C on the coding strand, the complement: SPTA1 is on the minus strand). VCF-style: chr1-158623111-C-G. GRCh37 (hg19) VCF-style: chr1-158592901-C-G.
Other names: p.Ala1998Pro; short protein forms A1998P.
Identifiers: ClinVar variation 258950 (VCV000258950.31), dbSNP rs77877855, ClinGen allele CA1182120.
Genomic context (GRCh38, chr1:158,623,111, plus strand): 5'-CCCAGCGCTTCAGCAGAGCGGCATAACGCTCTTCAATGGCTTTAGACTGGTTGTGTTGAG[C>G]AGAAATCAGTTTGTCCTTCAGGTCAGTGATCTCGGGAAGTCTCTCTTGCTGGAAACTCTG-3'
Protein context (NP_003117.2, residues 1988-2008): ITDLKDKLIS[Ala1998Pro]QHNQSKAIEE

ClinVar aggregate classification (germline): Benign. Review status: criteria provided, multiple submitters, no conflicts (2 of 4 stars). 9 submissions from 7 submitters: Benign (9). Last evaluated 2026-02-03.

Conditions:
Hereditary spherocytosis type 3. Also called: SPTA1-Related Spherocytosis; Spherocytosis type 3. Identifiers: Orphanet 822, MedGen C2678338, MONDO:0010053, OMIM 270970.
Elliptocytosis 2 (EL2). Also called: ELLIPTOCYTOSIS, RHESUS-UNLINKED TYPE. Identifiers: Orphanet 288, MedGen C1851741, MONDO:0007533, OMIM 130600.
Pyropoikilocytosis, hereditary. Also called: Pyropoikilocytosis. Identifiers: MedGen C0520739, MONDO:0009948, OMIM 266140, HP:0004839. Disease mechanism: loss of function.

Allele frequency attached by ClinVar (database versions not stated): ExAC 0.03168; gnomAD 0.05556 and 0.05368; ESP Exome Variant Server 0.05558; TOPMed 0.05846; gnomAD exomes 0.02915; 1000 Genomes Project 0.05391; 1000 Genomes Project 30x 0.05684.
gnomAD v4.1: 37,991 of 1,613,978 alleles (2.4%); highest among the groups gnomAD compares: African/African-American, 15%; 1,310 homozygotes.

Submissions (9):

Labcorp Genetics (formerly Invitae), Labcorp
Classification: Benign. Last evaluated: 2026-02-03. Review status: criteria provided, single submitter. Criteria: Invitae Variant Classification Sherloc (09022015). Collection method: clinical testing. Allele origin: germline.

ARUP Laboratories, Molecular Genetics and Genomics, ARUP Laboratories
Classification: Benign. Last evaluated: 2025-06-30. Review status: criteria provided, single submitter. Criteria: ARUP Molecular Germline Variant Investigation Process 2024. Collection method: clinical testing. Allele origin: germline.

Mayo Clinic Laboratories, Mayo Clinic
Classification: Benign. Last evaluated: 2022-05-16. Review status: criteria provided, single submitter. Criteria: ACMG Guidelines, 2015. Collection method: clinical testing. Allele origin: germline. Observed: 217 variant alleles.
Comment: BS1, BS2

GeneDx
Classification: Benign. Last evaluated: 2020-02-04. Review status: criteria provided, single submitter. Criteria: GeneDx Variant Classification Process June 2021. Collection method: clinical testing. Allele origin: germline. Affected: yes.
Comment: This variant is associated with the following publications: (PMID: 27884173, 24193021)

Illumina Laboratory Services, Illumina
Classification: Benign for Elliptocytosis 2. Last evaluated: 2018-01-13. Review status: criteria provided, single submitter. Criteria: ICSL Variant Classification Criteria 13 December 2019. Collection method: clinical testing. Allele origin: germline.
Comment: This variant was observed in the ICSL laboratory as part of a predisposition screen in an ostensibly healthy population. It had not been previously curated by ICSL or reported in the Human Gene Mutation Database (HGMD: prior to June 1st, 2018), and was therefore a candidate for classification through an automated scoring system. Utilizing variant allele frequency, disease prevalence and penetrance estimates, and inheritance mode, an automated score was calculated to assess if this variant is too frequent to cause the disease. Based on the score and internal cut-off values, a variant classified as benign is not then subjected to further curation. The score for this variant resulted in a classification of benign for this disease.

Illumina Laboratory Services, Illumina
Classification: Benign for Pyropoikilocytosis, hereditary. Last evaluated: 2018-01-13. Review status: criteria provided, single submitter. Criteria: ICSL Variant Classification Criteria 13 December 2019. Collection method: clinical testing. Allele origin: germline.
Comment: the same text as in the submission from Illumina Laboratory Services, Illumina above.

Illumina Laboratory Services, Illumina
Classification: Benign for Hereditary spherocytosis type 3. Last evaluated: 2018-01-13. Review status: criteria provided, single submitter. Criteria: ICSL Variant Classification Criteria 13 December 2019. Collection method: clinical testing. Allele origin: germline.
Comment: the same text as in the submission from Illumina Laboratory Services, Illumina above.

Breakthrough Genomics
Classification: Benign. Review status: criteria provided, single submitter. Criteria: ACMG Guidelines, 2015. Collection method: not provided. Allele origin: germline. Inheritance: Autosomal recessive inheritance. Affected: yes.

PreventionGenetics, part of Exact Sciences
Classification: Benign. Review status: criteria provided, single submitter. Criteria: ACMG Guidelines, 2015. Collection method: clinical testing. Allele origin: germline.